The following is an entry in ClinVar:

ClinVar aggregate classification (germline): Uncertain significance. Review status: criteria provided, multiple submitters, no conflicts (2 of 4 stars). 3 submissions from 3 submitters: Uncertain significance (3). Last evaluated 2017-04-26.

Conditions:
Dilated cardiomyopathy 1G (CMD1G). Identifiers: Orphanet 154, MedGen C1858763, MONDO:0011400, OMIM 604145.
Autosomal recessive limb-girdle muscular dystrophy type 2J (LGMDR10). Also called: Limb-girdle muscular dystrophy, type 2J; MUSCULAR DYSTROPHY, LIMB-GIRDLE, AUTOSOMAL RECESSIVE 10. Identifiers: Orphanet 140922, MedGen C1837342, MONDO:0012127, OMIM 608807.
Cardiovascular phenotype. Identifiers: MedGen CN230736.

Allele frequency attached by ClinVar (database versions not stated): gnomAD exomes below 0.00001.
gnomAD v4.1: 4 of 1,613,498 alleles (0.00025%); highest among the groups gnomAD compares: East Asian, 0.0022%; no homozygotes.

Submissions (3):

Labcorp Genetics (formerly Invitae), Labcorp
Classification: Uncertain significance for Dilated cardiomyopathy 1G; Autosomal recessive limb-girdle muscular dystrophy type 2J. Last evaluated: 2017-04-26. Review status: criteria provided, single submitter. Criteria: Invitae Variant Classification Sherloc (09022015). Collection method: clinical testing. Allele origin: germline.

Eurofins Ntd Llc (ga)
Classification: Uncertain significance. Last evaluated: 2015-07-21. Review status: criteria provided, single submitter. Criteria: EGL Classification Definitions 2015. Collection method: clinical testing. Allele origin: germline. Observed: 1 variant allele, 1 heterozygote.

Ambry Genetics
Classification: Uncertain significance for Cardiovascular phenotype. Last evaluated: 2013-09-12. Review status: criteria provided, single submitter. Criteria: Ambry Autosomal Dominant and X-Linked criteria (10/2015). Collection method: clinical testing. Allele origin: germline. Observed: 1 variant allele.
Comment: The p.N5853K variant (also known as c.17559T>A) is located in coding exon 69 of the TTN gene. This alteration results from a T to A substitution at nucleotide position 17559. The asparagine at codon 5853 is replaced by lysine, an amino acid with a few similar properties. This variant was not reported in population-based cohorts in the following databases: Database of Single Nucleotide Polymorphisms (dbSNP), the 1000 Genomes Project and the NHLBI Exome Sequencing Project (ESP). In the ESP, this variant was not observed in 6140 samples (12280 alleles) with coverage at this position. Based on protein sequence alignment, this amino acid position is well conserved in available vertebrate species. In addition, this alteration is predicted to be possibly damaging by PolyPhen in silico analysis. Since supporting evidence is limited at this time, the clinical significance of this variant remains unclear.

NM_001267550.2(TTN):c.21291T>A (p.Asn7097Lys)

Genes: TTN (titin; minus strand), LOC126806428 (BRD4-independent group 4 enhancer GRCh37_chr2:179588362-179589561; plus strand). Cytogenetic location: 2q31.2.
Variant type: single nucleotide variant.
Coding change: c.21291T>A on transcript NM_001267550.2 (MANE Select); coding-DNA position 21291, T replaced by A.
Protein change: p.Asn7097Lys; replaces asparagine 7097 with lysine.
Molecular consequence: missense variant. On other transcripts: intron variant (3).
Genome position (GRCh38, 1-based): chr2:178,723,968, A>T on the plus strand (T>A on the coding strand, the complement: TTN is on the minus strand). VCF-style: chr2-178723968-A-T. GRCh37 (hg19) VCF-style: chr2-179588695-A-T.
Other names: c.20340T>A, p.Asn6780Lys (NM_001256850.1); c.17559T>A, p.Asn5853Lys (NM_133378.4); c.13282+14114T>A (NM_003319.4); c.13858+14114T>A (NM_133437.4); c.13657+14114T>A (NM_133432.3); short protein forms N5853K, N7097K, N6780K.
Identifiers: ClinVar variation 263713 (VCV000263713.9), dbSNP rs773211607, ClinGen allele CA2001060.